The following is an entry in ClinVar:

NM_018972.4(GDAP1):c.*61C>T

Gene: GDAP1 (ganglioside induced differentiation associated protein 1; plus strand). Cytogenetic location: 8q21.11.
Variant type: single nucleotide variant.
Coding change: c.*61C>T on transcript NM_018972.4 (MANE Select); 61 bases downstream of the stop codon, C replaced by T.
Molecular consequence: 3 prime UTR variant. On other transcripts: intron variant (1).
Genome position (GRCh38, 1-based): chr8:74,364,428, C>T. VCF-style: chr8-74364428-C-T. GRCh37 (hg19) VCF-style: chr8-75276663-C-T.
Other names: c.*61C>T (NM_001040875.4, NM_001362929.2, NM_001362930.2 and 1 more transcripts); c.694+1375C>T (NM_001362931.2).
Identifiers: ClinVar variation 910780 (VCV000910780.5), dbSNP rs73345399, ClinGen allele CA4785241.

ClinVar aggregate classification (germline): Benign/Likely benign. Review status: criteria provided, multiple submitters, no conflicts (2 of 4 stars). 3 submissions from 2 submitters: Benign (2); Likely benign (1). Last evaluated 2019-07-26.

Conditions:
Charcot-Marie-Tooth disease, axonal, with vocal cord paresis, autosomal recessive. Also called: CHARCOT-MARIE-TOOTH DISEASE, TYPE 4A, AXONAL FORM; CHARCOT-MARIE-TOOTH NEUROPATHY, AXONAL, WITH VOCAL CORD PARESIS, AUTOSOMAL RECESSIVE; CMT2 WITH VOCAL CORD PARESIS, AUTOSOMAL RECESSIVE. Identifiers: Orphanet 101097, MedGen C1843183, MONDO:0011898, OMIM 607706.
Charcot-Marie-Tooth disease recessive intermediate A (CMTRIA). Also called: CHARCOT-MARIE-TOOTH NEUROPATHY, RECESSIVE INTERMEDIATE A. Identifiers: Orphanet 217055, MedGen C1842197, MONDO:0012014, OMIM 608340.

Allele frequency attached by ClinVar (database versions not stated): gnomAD exomes 0.00051 and 0.00116; ExAC 0.00139; gnomAD 0.00448 and 0.00483; TOPMed 0.00510; 1000 Genomes Project 0.00539; 1000 Genomes Project 30x 0.00547.

Submissions (3):

GeneDx
Classification: Likely benign. Last evaluated: 2019-07-26. Review status: criteria provided, single submitter. Criteria: GeneDx Variant Classification (06012015). Collection method: clinical testing. Allele origin: germline. Affected: yes.

Illumina Laboratory Services, Illumina
Classification: Benign for Charcot-Marie-Tooth disease, axonal, with vocal cord paresis, autosomal recessive. Last evaluated: 2018-01-13. Review status: criteria provided, single submitter. Criteria: ICSL Variant Classification Criteria 13 December 2019. Collection method: clinical testing. Allele origin: germline.
Comment: This variant was observed in the ICSL laboratory as part of a predisposition screen in an ostensibly healthy population. It had not been previously curated by ICSL or reported in the Human Gene Mutation Database (HGMD: prior to June 1st, 2018), and was therefore a candidate for classification through an automated scoring system. Utilizing variant allele frequency, disease prevalence and penetrance estimates, and inheritance mode, an automated score was calculated to assess if this variant is too frequent to cause the disease. Based on the score and internal cut-off values, a variant classified as benign is not then subjected to further curation. The score for this variant resulted in a classification of benign for this disease.

Illumina Laboratory Services, Illumina
Classification: Benign for Charcot-Marie-Tooth disease recessive intermediate A. Last evaluated: 2018-01-13. Review status: criteria provided, single submitter. Criteria: ICSL Variant Classification Criteria 13 December 2019. Collection method: clinical testing. Allele origin: germline.
Comment: the same text as in the submission from Illumina Laboratory Services, Illumina above.